The following is an entry in ClinVar:

ClinVar aggregate classification (germline): Conflicting classifications of pathogenicity. Review status: criteria provided, conflicting classifications (1 of 4 stars). 6 submissions from 6 submitters: Uncertain significance (4); Likely benign (1). 1 of the submissions does not count toward it. Last evaluated 2025-12-30.

Conditions:
Emery-Dreifuss muscular dystrophy 4, autosomal dominant (EDMD4). Also called: EMERY-DREIFUSS MUSCULAR DYSTROPHY 4 WITH VARIABLE FEATURES. Identifiers: Orphanet 261, MedGen C2751807, MONDO:0013071, OMIM 612998.
Autosomal recessive ataxia, Beauce type. Also called: Spinocerebellar ataxia, autosomal recessive 8; ATAXIA, RECESSIVE, OF BEAUCE; SYNE1-Related Autosomal Recessive Cerebellar Ataxia; SYNE1 Deficiency. Identifiers: Orphanet 88644, MedGen C1853116, MONDO:0012549, OMIM 610743.
Intellectual disability. Also called: Intellectual functioning disability; intellectual disabilities; Intellectual developmental disorder. Identifiers: MedGen C3714756, MeSH D008607, MONDO:0001071, HP:0001249.

Allele frequency attached by ClinVar (database versions not stated): ESP Exome Variant Server 0.00008; TOPMed 0.00014.
gnomAD v4.1: 117 of 1,614,014 alleles (0.0072%); highest among the groups gnomAD compares: Middle Eastern, 0.033%; no homozygotes.

Submissions (6):

Labcorp Genetics (formerly Invitae), Labcorp
Classification: Uncertain significance for Emery-Dreifuss muscular dystrophy 4, autosomal dominant; Autosomal recessive ataxia, Beauce type. Last evaluated: 2025-12-30. Review status: criteria provided, single submitter. Criteria: Invitae Variant Classification Sherloc (09022015). Collection method: clinical testing. Allele origin: germline.
Comment: This sequence change replaces threonine, which is neutral and polar, with methionine, which is neutral and non-polar, at codon 4737 of the SYNE1 protein (p.Thr4737Met). This variant is present in population databases (rs373040273, gnomAD 0.05%). This variant has not been reported in the literature in individuals affected with SYNE1-related conditions. ClinVar contains an entry for this variant (Variation ID: 286456). An algorithm developed to predict the effect of missense changes on protein structure and function (PolyPhen-2) suggests that this variant is likely to be tolerated. In summary, the available evidence is currently insufficient to determine the role of this variant in disease. Therefore, it has been classified as a Variant of Uncertain Significance.

Revvity Omics, Revvity
Classification: Likely benign. Last evaluated: 2025-04-13. Review status: criteria provided, single submitter. Criteria: ACMG Guidelines, 2015. Collection method: clinical testing. Allele origin: germline.

Women's Health and Genetics/Laboratory Corporation of America, LabCorp
Classification: Uncertain significance. Last evaluated: 2025-03-25. Review status: criteria provided, single submitter. Criteria: LabCorp Variant Classification Summary - May 2015. Collection method: clinical testing. Allele origin: germline.
Comment: Variant summary: SYNE1 c.14210C>T (p.Thr4737Met) results in a non-conservative amino acid change in the encoded protein sequence. Three of five in-silico tools predict a benign effect of the variant on protein function. The variant allele was found at a frequency of 7.6e-05 in 251448 control chromosomes. This frequency is not significantly higher than estimated for a pathogenic variant in SYNE1 causing Autosomal recessive ataxia, Beauce type (7.6e-05 vs 0.0011), allowing no conclusion about variant significance. To our knowledge, no occurrence of c.14210C>T in individuals affected with Autosomal recessive ataxia, Beauce type and no experimental evidence demonstrating its impact on protein function have been reported. ClinVar contains an entry for this variant (Variation ID: 286456). Based on the evidence outlined above, the variant was classified as uncertain significance.

Athena Diagnostics
Classification: Uncertain significance. Last evaluated: 2022-06-01. Review status: criteria provided, single submitter. Criteria: Athena Diagnostics Criteria. Collection method: clinical testing. Allele origin: unknown.

Eurofins Ntd Llc (ga)
Classification: Uncertain significance. Last evaluated: 2017-01-25. Review status: criteria provided, single submitter. Criteria: EGL Classification Definitions 2015. Collection method: clinical testing. Allele origin: germline. Observed: 2 variant alleles, 2 heterozygotes.

Centre de Biologie Pathologie Génétique, Centre Hospitalier Universitaire de Lille
Classification: Uncertain significance for Intellectual disability. Last evaluated: 2019-01-01. Review status: no assertion criteria provided. Collection method: clinical testing. Allele origin: unknown. Affected: yes. Not counted in ClinVar's aggregate classification.

NM_182961.4(SYNE1):c.14423C>T (p.Thr4808Met)

Gene: SYNE1 (spectrin repeat containing nuclear envelope protein 1; minus strand). Cytogenetic location: 6q25.2.
Variant type: single nucleotide variant.
Coding change: c.14423C>T on transcript NM_182961.4 (MANE Select); coding-DNA position 14423, C replaced by T.
Protein change: p.Thr4808Met; replaces threonine 4808 with methionine.
Molecular consequence: missense variant.
Genome position (GRCh38, 1-based): chr6:152,330,262, G>A on the plus strand (C>T on the coding strand, the complement: SYNE1 is on the minus strand). VCF-style: chr6-152330262-G-A. GRCh37 (hg19) VCF-style: chr6-152651397-G-A.
Other names: c.14210C>T, p.Thr4737Met (NM_033071.5); short protein forms T4737M, T4808M.
Identifiers: ClinVar variation 286456 (VCV000286456.20), dbSNP rs373040273, ClinGen allele CA4056008.